The following is an entry in ClinVar:

ClinVar aggregate classification (germline): Uncertain significance (1 of 4 stars; one submission).

Conditions:
Tuberous sclerosis 1 (TSC1). Identifiers: Orphanet 805, MedGen C1854465, MONDO:0008612, OMIM 191100.

Submission:

Labcorp Genetics (formerly Invitae), Labcorp
Classification: Uncertain significance for Tuberous sclerosis 1. Last evaluated: 2021-12-23. Review status: criteria provided, single submitter. Criteria: Invitae Variant Classification Sherloc (09022015). Collection method: clinical testing. Allele origin: germline.
Comment: In summary, the available evidence is currently insufficient to determine the role of this variant in disease. Therefore, it has been classified as a Variant of Uncertain Significance. Algorithms developed to predict the effect of missense changes on protein structure and function (SIFT, PolyPhen-2, Align-GVGD) all suggest that this variant is likely to be tolerated. This variant has not been reported in the literature in individuals affected with TSC1-related conditions. This variant is not present in population databases (gnomAD no frequency). This sequence change replaces lysine, which is basic and polar, with arginine, which is basic and polar, at codon 751 of the TSC1 protein (p.Lys751Arg).

NM_000368.5(TSC1):c.2252A>G (p.Lys751Arg)

Gene: TSC1 (TSC complex subunit 1; minus strand). Cytogenetic location: 9q34.13.
Variant type: single nucleotide variant.
Coding change: c.2252A>G on transcript NM_000368.5 (MANE Select); coding-DNA position 2252, A replaced by G.
Protein change: p.Lys751Arg; replaces lysine 751 with arginine.
Molecular consequence: missense variant.
Genome position (GRCh38, 1-based): chr9:132,902,744, T>C on the plus strand (A>G on the coding strand, the complement: TSC1 is on the minus strand). VCF-style: chr9-132902744-T-C. GRCh37 (hg19) VCF-style: chr9-135778131-T-C.
Other names: c.2249A>G, p.Lys750Arg (NM_001406598.1, NM_001406599.1, NM_001406600.1 and 4 more transcripts); c.2237A>G, p.Lys746Arg (NM_001406601.1, NM_001406602.1); c.2234A>G, p.Lys745Arg (NM_001406603.1, NM_001406604.1); c.2252A>G, p.Lys751Arg (NM_001406605.1, NM_001406606.1, NM_001406592.1 and 5 more transcripts); c.1889A>G, p.Lys630Arg (NM_001406616.1, NM_001406617.1, NM_001406618.1 and 5 more transcripts); c.1886A>G, p.Lys629Arg (NM_001406620.1, NM_001406621.1, NM_001406622.1 and 2 more transcripts); c.2099A>G, p.Lys700Arg (NM_001162427.2, NM_001406610.1); c.2096A>G, p.Lys699Arg (NM_001406611.1, NM_001406612.1, NM_001406613.1); and 3 more; short protein forms K400R, K745R, K700R, K750R, K751R, K629R, K433R, K434R.
Identifiers: ClinVar variation 2055037 (VCV002055037.4), dbSNP rs2131738995, ClinGen allele CA375359892.